The following is an entry in ClinVar:

ClinVar aggregate classification (germline): Pathogenic. Review status: criteria provided, multiple submitters, no conflicts (2 of 4 stars). 2 submissions from 2 submitters: Pathogenic (2). Last evaluated 2024-07-30.

Conditions:
Hereditary cancer-predisposing syndrome. Also called: Neoplastic Syndromes, Hereditary; Tumor predisposition; Hereditary neoplastic syndrome; Hereditary Cancer Syndrome. Identifiers: Orphanet 140162, MedGen C0027672, MeSH D009386, MONDO:0015356.
Cardiovascular phenotype. Identifiers: MedGen CN230736.

Submissions (2):

Quest Diagnostics Nichols Institute San Juan Capistrano
Classification: Pathogenic. Last evaluated: 2024-07-30. Review status: criteria provided, single submitter. Criteria: Quest Diagnostics criteria. Collection method: clinical testing. Allele origin: unknown.
Comment: The NF1 c.5202_5205del (p.Ile1734Metfs*9) variant alters the translational reading frame of the NF1 mRNA and causes the premature termination of NF1 protein synthesis. This variant has not been reported in individuals with NF1-related conditions in the published literature. This variant has not been reported in large, multi-ethnic general populations (Genome Aggregation Database). Based on the available information, this variant is classified as pathogenic.

Ambry Genetics
Classification: Pathogenic for Cardiovascular phenotype; Hereditary cancer-predisposing syndrome. Last evaluated: 2022-11-09. Review status: criteria provided, single submitter. Criteria: Ambry Variant Classification Scheme 2023. Collection method: clinical testing. Allele origin: germline.
Comment: The c.5202_5205delTAAA variant, located in coding exon 36 of the NF1 gene, results from a deletion of 4 nucleotides at nucleotide positions 5202 to 5205, causing a translational frameshift with a predicted alternate stop codon (p.I1734Mfs*9). This alteration is expected to result in loss of function by premature protein truncation or nonsense-mediated mRNA decay. As such, this alteration is interpreted as a disease-causing mutation.

NM_001042492.3(NF1):c.5265_5268del (p.Ile1755fs)

Gene: NF1 (neurofibromin 1; plus strand). Cytogenetic location: 17q11.2.
Variant type: Deletion.
Coding change: c.5265_5268del on transcript NM_001042492.3 (MANE Select); coding-DNA positions 5265 to 5268, 4 bases deleted (TAAA; older notation c.5265_5268delTAAA).
Protein change: p.Ile1755fs; shifts the reading frame from isoleucine 1755.
Molecular consequence: frameshift variant.
Genome position (GRCh38, 1-based): chr17:31,326,249-31,326,252, TAAA deleted. VCF-style (leftmost placement, unchanged base first): chr17-31326248-TTAAA-T. GRCh37 (hg19) VCF-style: chr17-29653266-TTAAA-T.
Other names: c.5202_5205delTAAA (NM_000267.3); c.5202_5205delTAAA, p.Ile1734Metfs (NM_000267.4); short protein forms I1734fs, I1755fs.
Identifiers: ClinVar variation 2452203 (VCV002452203.3), dbSNP rs2508698808, ClinGen allele CA2580093064.